The following is an entry in ClinVar:

ClinVar aggregate classification (germline): Benign. Review status: criteria provided, multiple submitters, no conflicts (2 of 4 stars). 2 submissions from 2 submitters: Benign (2). Last evaluated 2018-06-14.

Allele frequency attached by ClinVar (database versions not stated): gnomAD exomes 0.00224; gnomAD 0.01879 and 0.02030; 1000 Genomes Project 0.01897; TOPMed 0.02154; 1000 Genomes Project 30x 0.02217.
gnomAD v4.1: 4,127 of 697,900 alleles (0.59%); highest among the groups gnomAD compares: African/African-American, 6.6%; 127 homozygotes.

Submissions (2):

GeneDx
Classification: Benign. Last evaluated: 2018-06-14. Review status: criteria provided, single submitter. Criteria: GeneDx Variant Classification (06012015). Collection method: clinical testing. Allele origin: germline. Affected: yes.
Comment: This variant is considered likely benign or benign based on one or more of the following criteria: it is a conservative change, it occurs at a poorly conserved position in the protein, it is predicted to be benign by multiple in silico algorithms, and/or has population frequency not consistent with disease.

Breakthrough Genomics
Classification: Benign. Review status: criteria provided, single submitter. Criteria: ACMG Guidelines, 2015. Collection method: not provided. Allele origin: germline. Inheritance: Autosomal recessive inheritance. Affected: yes.

NM_017775.4(TTC19):c.677-153T>C

Gene: TTC19 (tetratricopeptide repeat domain 19; plus strand). Cytogenetic location: 17p12.
Variant type: single nucleotide variant.
Coding change: c.677-153T>C on transcript NM_017775.4 (MANE Select); 153 bases into the intron before coding-DNA position 677, T replaced by C.
Molecular consequence: intron variant.
Genome position (GRCh38, 1-based): chr17:16,024,864, T>C. VCF-style: chr17-16024864-T-C. GRCh37 (hg19) VCF-style: chr17-15928178-T-C.
Other names: c.356-153T>C (NM_001271420.2).
Identifiers: ClinVar variation 684300 (VCV000684300.2), dbSNP rs73981409, ClinGen allele CA288162408.